The following is an entry in ClinVar:

ClinVar aggregate classification (germline): Conflicting classifications of pathogenicity. Review status: criteria provided, conflicting classifications (1 of 4 stars). 5 submissions from 5 submitters: Uncertain significance (3); Likely benign (2). Last evaluated 2025-07-25.

Conditions:
Familial thoracic aortic aneurysm and aortic dissection (TAAD). Also called: Thoracic aortic aneurysms and dissections. Identifiers: Orphanet 91387, MedGen C4707243, MONDO:0019625.
Aortic aneurysm, familial thoracic 4 (AAT4). Also called: AORTIC ANEURYSM/AORTIC DISSECTION AND PATENT DUCTUS ARTERIOSUS. Identifiers: MedGen C1851504, MONDO:0007568, OMIM 132900.

Allele frequency attached by ClinVar (database versions not stated): gnomAD 0.00001; gnomAD exomes 0.00005 and 0.00012; TOPMed 0.00005; ExAC 0.00012.
gnomAD v4.1: 30 of 1,614,040 alleles (0.0019%); highest among the groups gnomAD compares: Admixed American, 0.05%; no homozygotes.

Submissions (5):

Labcorp Genetics (formerly Invitae), Labcorp
Classification: Likely benign for Aortic aneurysm, familial thoracic 4. Last evaluated: 2025-07-25. Review status: criteria provided, single submitter. Criteria: Invitae Variant Classification Sherloc (09022015). Collection method: clinical testing. Allele origin: germline.

GeneDx
Classification: Uncertain significance. Last evaluated: 2025-02-06. Review status: criteria provided, single submitter. Criteria: GeneDx Variant Classification Process June 2021. Collection method: clinical testing. Allele origin: germline. Affected: yes.
Comment: In silico analysis supports that this missense variant has a deleterious effect on protein structure/function; Has not been previously published as pathogenic or benign to our knowledge

Ambry Genetics
Classification: Uncertain significance for Familial thoracic aortic aneurysm and aortic dissection. Last evaluated: 2025-01-24. Review status: criteria provided, single submitter. Criteria: Ambry Variant Classification Scheme 2023. Collection method: clinical testing. Allele origin: germline.

Color Diagnostics, LLC DBA Color Health
Classification: Uncertain significance for Familial thoracic aortic aneurysm and aortic dissection. Last evaluated: 2024-03-06. Review status: criteria provided, single submitter. Criteria: ACMG Guidelines, 2015. Collection method: clinical testing. Allele origin: germline.
Comment: This missense variant replaces glutamic acid with lysine at codon 1557 of the MYH11 protein. Computational prediction suggests that this variant may have deleterious impact on protein structure and function (internally defined REVEL score threshold >= 0.7, PMID: 27666373). To our knowledge, functional studies have not been reported for this variant. This variant has not been reported in individuals affected with MYH11-related disorders in the literature. This variant has been identified in 30/251484 chromosomes in the general population by the Genome Aggregation Database (gnomAD). The available evidence is insufficient to determine the role of this variant in disease conclusively. Therefore, this variant is classified as a Variant of Uncertain Significance.

Women's Health and Genetics/Laboratory Corporation of America, LabCorp
Classification: Likely benign. Last evaluated: 2023-07-30. Review status: criteria provided, single submitter. Criteria: LabCorp Variant Classification Summary - May 2015. Collection method: clinical testing. Allele origin: germline.

NM_002474.3(MYH11):c.4648G>A (p.Glu1550Lys)

Genes: NDE1 (nudE neurodevelopment protein 1; plus strand), MYH11 (myosin heavy chain 11; minus strand). Cytogenetic location: 16p13.11.
Variant type: single nucleotide variant.
Coding change: c.4648G>A on transcript NM_002474.3 (MANE Select); coding-DNA position 4648, G replaced by A.
Protein change: p.Glu1550Lys; replaces glutamic acid 1550 with lysine.
Molecular consequence: missense variant. On other transcripts: intron variant (2).
Genome position (GRCh38, 1-based): chr16:15,720,982, C>T on the plus strand (G>A on the coding strand, the complement: MYH11 is on the minus strand). VCF-style: chr16-15720982-C-T. GRCh37 (hg19) VCF-style: chr16-15814839-C-T.
Other names: c.4648G>A (NM_002474.2); c.4669G>A, p.Glu1557Lys (NM_001040113.2, NM_001040114.2); c.4648G>A, p.Glu1550Lys (NM_022844.3); c.948-3209C>T (NM_001143979.2, NM_017668.3); short protein forms E1550K, E1557K.
Identifiers: ClinVar variation 800245 (VCV000800245.18), dbSNP rs751716762, ClinGen allele CA7921599.